The following is an entry in ClinVar:

ClinVar aggregate classification (germline): Pathogenic (1 of 4 stars; one submission).

Conditions:
Inborn genetic diseases. Identifiers: MedGen C0950123, MeSH D030342.

Submission:

Ambry Genetics
Classification: Pathogenic for Inborn genetic diseases. Last evaluated: 2025-05-02. Review status: criteria provided, single submitter. Criteria: Ambry Variant Classification Scheme 2023. Collection method: clinical testing. Allele origin: germline.
Comment: The c.1172delC (p.P391Lfs*96) alteration, located in exon 10 (coding exon 7) of the KDM6B gene, consists of a deletion of one nucleotide at position 1172, causing a translational frameshift with a predicted alternate stop codon after 96 amino acids. This alteration is expected to result in loss of function by premature protein truncation or nonsense-mediated mRNA decay. This variant was not reported in population-based cohorts in the Genome Aggregation Database (gnomAD). Based on the available evidence, this alteration is classified as pathogenic.

NM_001348716.2(KDM6B):c.1172del (p.Pro391fs)

Gene: KDM6B (lysine demethylase 6B; plus strand). Cytogenetic location: 17p13.1.
Variant type: Deletion.
Coding change: c.1172del on transcript NM_001348716.2 (MANE Select); coding-DNA position 1172, one base deleted (C; older notation c.1172delC).
Protein change: p.Pro391fs; shifts the reading frame from proline 391.
Molecular consequence: frameshift variant.
Genome position (GRCh38, 1-based): chr17:7,847,367, C deleted; the last of 5 consecutive C bases (chr17:7,847,363-7,847,367); deleting any one gives the same sequence. VCF-style (leftmost placement, unchanged base first): chr17-7847362-GC-G. GRCh37 (hg19) VCF-style: chr17-7750680-GC-G.
Other names: c.1172del, p.Pro391fs (NM_001080424.2); short protein forms P391fs.
Identifiers: ClinVar variation 4042389 (VCV004042389.1).